The following is an entry in ClinVar:

NM_018907.4(PCDHA4):c.390G>T (p.Pro130=)

Genes: PCDHA1 (protocadherin alpha 1; plus strand), PCDHA2 (protocadherin alpha 2; plus strand), PCDHA3 (protocadherin alpha 3; plus strand), PCDHA4 (protocadherin alpha 4; plus strand), PCDHA@ (protocadherin alpha cluster, complex locus; plus strand). Cytogenetic location: 5q31.3.
Variant type: single nucleotide variant.
Coding change: c.390G>T on transcript NM_018907.4 (MANE Select); coding-DNA position 390, G replaced by T.
Protein change: p.Pro130=; no amino-acid change (proline 130 retained).
Molecular consequence: synonymous variant. On other transcripts: intron variant (4).
Genome position (GRCh38, 1-based): chr5:140,807,577, G>T. VCF-style: chr5-140807577-G-T. GRCh37 (hg19) VCF-style: chr5-140187162-G-T.
Other names: c.390G>T, p.Pro130= (NM_031500.3); c.2394+18893G>T (NM_018900.4); c.1602+19685G>T (NM_031411.3); c.2388+10225G>T (NM_018905.3); c.2394+3986G>T (NM_018906.3).
Identifiers: ClinVar variation 2655752 (VCV002655752.24), dbSNP rs550530931, ClinGen allele CA3446952.
Genomic context (GRCh38, chr5:140,807,577, plus strand): 5'-AGACAGGCCGCTGCAGGTTTTCCATGTGGACGTGGAGGTGAGGGACATTAACGATAACCC[G>T]CCGGTGTTCCCAGCAACACAAAAGAACCTGTCCATCGCGGAATCCAGGCCGCTTGACTCT-3'
Protein context (NP_061730.1, residues 120-140): DVEVRDINDN[Pro130=]PVFPATQKNL

ClinVar aggregate classification (germline): Likely benign (1 of 4 stars; one submission).

Allele frequency attached by ClinVar (database versions not stated): ExAC 0.00032; 1000 Genomes Project 0.00060.

Submission:

CeGaT Center for Human Genetics Tuebingen
Classification: Likely benign. Last evaluated: 2026-06-01. Review status: criteria provided, single submitter. Criteria: CeGaT Center For Human Genetics Tuebingen Variant Classification Criteria Version 2. Collection method: clinical testing. Allele origin: germline. Affected: yes. Observed: 4 variant alleles.
Comment: PCDHA4: BP4, BP7